The following is an entry in ClinVar:

ClinVar aggregate classification (germline): Benign. Review status: reviewed by expert panel (3 of 4 stars). 2 submissions from 2 submitters: Benign (1). 1 of the submissions does not count toward it. Last evaluated 2022-06-30.

Conditions:
Hereditary thrombocytopenia and hematologic cancer predisposition syndrome. Identifiers: Orphanet 71290, MedGen CN281654, MONDO:0011071.
Hereditary thrombocytopenia and hematological cancer predisposition syndrome associated with RUNX1. Also called: PLATELET DISORDER, ASPIRIN-LIKE; RUNX1 Familial Platelet Disorder with Associated Myeloid Malignancies; Familial Platelet Disorder with Propensity to Acute Myelogenous Leukemia; Familial thrombocytopenia with propensity to acute myelogenous leukemia. Identifiers: Orphanet 71290, MedGen C1832388, MeSH C563324, MONDO:0100083, OMIM 601399.

Allele frequency attached by ClinVar (database versions not stated): gnomAD exomes 0.00899; 1000 Genomes Project 0.01118; 1000 Genomes Project 30x 0.01140; gnomAD 0.01258 and 0.01292; TOPMed 0.01362.
gnomAD v4.1: 2,641 of 231,324 alleles (1.1%); highest among the groups gnomAD compares: African/African-American, 2.4%; 19 homozygotes.

Submissions (2):

ClinGen Myeloid Malignancy Variant Curation Expert Panel
Classification: Benign for Hereditary thrombocytopenia and hematologic cancer predisposition syndrome. Last evaluated: 2022-06-30. Review status: reviewed by expert panel. Criteria: ClinGen MyeloMalig ACMG Specifications v2. Collection method: curation. Allele origin: germline. Inheritance: Autosomal dominant inheritance.
Comment: NM_001754.5(RUNX1):c.*484T>C is an intronic variant. MAF of 0.02894 (2.89%, 252/8708 alleles) in the African subpopulation of the gnomAD cohort is greater than 0.00015 (0.015%) (BA1). This variant is reported in 3 homozygotes in gnomAD v2.1.1 (BP2). In summary, this variant meets criteria to be classified as likely benign. ACMG/AMP criteria applied, as specified by the Myeloid Malignancy Variant Curation Expert Panel for RUNX1: BA1, BP2

Illumina Laboratory Services, Illumina
Classification: Benign for Hereditary thrombocytopenia and hematological cancer predisposition syndrome associated with RUNX1. Last evaluated: 2018-01-13. Review status: criteria provided, single submitter. Criteria: ICSL Variant Classification Criteria 13 December 2019. Collection method: clinical testing. Allele origin: germline. Not counted in ClinVar's aggregate classification.
Comment: This variant was observed in the ICSL laboratory as part of a predisposition screen in an ostensibly healthy population. It had not been previously curated by ICSL or reported in the Human Gene Mutation Database (HGMD: prior to June 1st, 2018), and was therefore a candidate for classification through an automated scoring system. Utilizing variant allele frequency, disease prevalence and penetrance estimates, and inheritance mode, an automated score was calculated to assess if this variant is too frequent to cause the disease. Based on the score and internal cut-off values, a variant classified as benign is not then subjected to further curation. The score for this variant resulted in a classification of benign for this disease.

NM_001754.5(RUNX1):c.*484T>C

Gene: RUNX1 (RUNX family transcription factor 1; minus strand). Cytogenetic location: 21q22.12.
Variant type: single nucleotide variant.
Coding change: c.*484T>C on transcript NM_001754.5 (MANE Select); 484 bases downstream of the stop codon, T replaced by C.
Molecular consequence: 3 prime UTR variant.
Genome position (GRCh38, 1-based): chr21:34,791,651, A>G on the plus strand (T>C on the coding strand, the complement: RUNX1 is on the minus strand). VCF-style: chr21-34791651-A-G. GRCh37 (hg19) VCF-style: chr21-36163948-A-G.
Other names: c.*484T>C (NM_001001890.3).
Identifiers: ClinVar variation 339864 (VCV000339864.6), dbSNP rs147934675, ClinGen allele CA10652928.